The following is an entry in ClinVar:

NM_016284.5(CNOT1):c.5705G>T (p.Cys1902Phe)

Gene: CNOT1 (CCR4-NOT transcription complex subunit 1; minus strand). Cytogenetic location: 16q21.
Variant type: single nucleotide variant.
Coding change: c.5705G>T on transcript NM_016284.5 (MANE Select); coding-DNA position 5705, G replaced by T.
Protein change: p.Cys1902Phe; replaces cysteine 1902 with phenylalanine.
Molecular consequence: missense variant. On other transcripts: non-coding transcript variant (1).
Genome position (GRCh38, 1-based): chr16:58,534,337, C>A on the plus strand (G>T on the coding strand, the complement: CNOT1 is on the minus strand). VCF-style: chr16-58534337-C-A. GRCh37 (hg19) VCF-style: chr16-58568241-C-A.
Other names: c.5690G>T, p.Cys1897Phe (NM_001265612.2); short protein forms C1902F, C1897F.
Identifiers: ClinVar variation 2810102 (VCV002810102.3), dbSNP rs2543855878, ClinGen allele CA396163895.

ClinVar aggregate classification (germline): Uncertain significance (1 of 4 stars; one submission).

Allele frequency attached by ClinVar (database versions not stated): gnomAD exomes below 0.00001.
gnomAD v4.1: 1 of 1,614,152 alleles (0.000062%); highest among the groups gnomAD compares: Non-Finnish European, 0.000085%; no homozygotes.

Submission:

Labcorp Genetics (formerly Invitae), Labcorp
Classification: Uncertain significance. Last evaluated: 2023-10-03. Review status: criteria provided, single submitter. Criteria: Invitae Variant Classification Sherloc (09022015). Collection method: clinical testing. Allele origin: germline.
Comment: This sequence change replaces cysteine, which is neutral and slightly polar, with phenylalanine, which is neutral and non-polar, at codon 1897 of the CNOT1 protein (p.Cys1897Phe). This variant is not present in population databases (gnomAD no frequency). This variant has not been reported in the literature in individuals affected with CNOT1-related conditions. An algorithm developed to predict the effect of missense changes on protein structure and function (PolyPhen-2) suggests that this variant is likely to be disruptive. In summary, the available evidence is currently insufficient to determine the role of this variant in disease. Therefore, it has been classified as a Variant of Uncertain Significance.